The following is an entry in ClinVar:

ClinVar aggregate classification (germline): Uncertain significance (1 of 4 stars; one submission).

Allele frequency attached by ClinVar (database versions not stated): gnomAD 0.00001 and 0.00003; gnomAD exomes 0.00001 and 0.00004; ExAC 0.00003; TOPMed 0.00003; 1000 Genomes Project 30x 0.00016; 1000 Genomes Project 0.00020.

Submission:

Labcorp Genetics (formerly Invitae), Labcorp
Classification: Uncertain significance. Last evaluated: 2022-09-01. Review status: criteria provided, single submitter. Criteria: Invitae Variant Classification Sherloc (09022015). Collection method: clinical testing. Allele origin: germline.
Comment: This variant is present in population databases (rs188968530, gnomAD 0.02%). This sequence change replaces arginine, which is basic and polar, with tryptophan, which is neutral and slightly polar, at codon 269 of the PARS2 protein (p.Arg269Trp). This variant has not been reported in the literature in individuals affected with PARS2-related conditions. ClinVar contains an entry for this variant (Variation ID: 1484784). Algorithms developed to predict the effect of missense changes on protein structure and function (SIFT, PolyPhen-2, Align-GVGD) all suggest that this variant is likely to be tolerated. In summary, the available evidence is currently insufficient to determine the role of this variant in disease. Therefore, it has been classified as a Variant of Uncertain Significance.

NM_152268.4(PARS2):c.805C>T (p.Arg269Trp)

Gene: PARS2 (prolyl-tRNA synthetase 2, mitochondrial; minus strand). Cytogenetic location: 1p32.3.
Variant type: single nucleotide variant.
Coding change: c.805C>T on transcript NM_152268.4 (MANE Select); coding-DNA position 805, C replaced by T.
Protein change: p.Arg269Trp; replaces arginine 269 with tryptophan.
Molecular consequence: missense variant.
Genome position (GRCh38, 1-based): chr1:54,758,357, G>A on the plus strand (C>T on the coding strand, the complement: PARS2 is on the minus strand). VCF-style: chr1-54758357-G-A. GRCh37 (hg19) VCF-style: chr1-55224030-G-A.
Other names: short protein forms R269W.
Identifiers: ClinVar variation 1484784 (VCV001484784.7), dbSNP rs188968530, ClinGen allele CA869410.